The following is an entry in ClinVar:

ClinVar aggregate classification (germline): Uncertain significance (1 of 4 stars; one submission).

Conditions:
Spastic paraplegia. Identifiers: MedGen C0037772, HP:0001258.

Submission:

Labcorp Genetics (formerly Invitae), Labcorp
Classification: Uncertain significance for Spastic paraplegia. Last evaluated: 2023-06-14. Review status: criteria provided, single submitter. Criteria: Invitae Variant Classification Sherloc (09022015). Collection method: clinical testing. Allele origin: germline.
Comment: In summary, the available evidence is currently insufficient to determine the role of this variant in disease. Therefore, it has been classified as a Variant of Uncertain Significance. Advanced modeling of protein sequence and biophysical properties (such as structural, functional, and spatial information, amino acid conservation, physicochemical variation, residue mobility, and thermodynamic stability) performed at Invitae indicates that this missense variant is expected to disrupt KIF5A protein function. This variant has not been reported in the literature in individuals affected with KIF5A-related conditions. This variant is not present in population databases (gnomAD no frequency). This sequence change replaces alanine, which is neutral and non-polar, with proline, which is neutral and non-polar, at codon 67 of the KIF5A protein (p.Ala67Pro).

NM_004984.4(KIF5A):c.199G>C (p.Ala67Pro)

Gene: KIF5A (kinesin family member 5A; plus strand). Cytogenetic location: 12q13.3.
Variant type: single nucleotide variant.
Coding change: c.199G>C on transcript NM_004984.4 (MANE Select); coding-DNA position 199, G replaced by C.
Protein change: p.Ala67Pro; replaces alanine 67 with proline.
Molecular consequence: missense variant. On other transcripts: intron variant (1).
Genome position (GRCh38, 1-based): chr12:57,563,508, G>C. VCF-style: chr12-57563508-G-C. GRCh37 (hg19) VCF-style: chr12-57957291-G-C.
Other names: c.130-952G>C (NM_001354705.2); short protein forms A67P.
Identifiers: ClinVar variation 2714315 (VCV002714315.3), dbSNP rs2540492980, ClinGen allele CA385492793.